The following is an entry in ClinVar:

ClinVar aggregate classification (germline): Uncertain significance (1 of 4 stars; one submission).

Submission:

GeneDx
Classification: Uncertain significance. Last evaluated: 2025-01-29. Review status: criteria provided, single submitter. Criteria: GeneDx Variant Classification Process June 2021. Collection method: clinical testing. Allele origin: germline. Affected: yes.
Comment: Not observed at significant frequency in large population cohorts (gnomAD); In silico analysis supports that this missense variant has a deleterious effect on protein structure/function; Has not been previously published as pathogenic or benign to our knowledge

NM_007126.5(VCP):c.1746T>G (p.Ile582Met)

Gene: VCP (valosin containing protein; minus strand). Cytogenetic location: 9p13.3.
Variant type: single nucleotide variant.
Coding change: c.1746T>G on transcript NM_007126.5 (MANE Select); coding-DNA position 1746, T replaced by G.
Protein change: p.Ile582Met; replaces isoleucine 582 with methionine.
Molecular consequence: missense variant.
Genome position (GRCh38, 1-based): chr9:35,059,751, A>C on the plus strand (T>G on the coding strand, the complement: VCP is on the minus strand). VCF-style: chr9-35059751-A-C. GRCh37 (hg19) VCF-style: chr9-35059748-A-C.
Other names: c.1611T>G, p.Ile537Met (NM_001354927.2, NM_001354928.2); short protein forms I537M, I582M.
Identifiers: ClinVar variation 4077204 (VCV004077204.1).